The following is an entry in ClinVar:

ClinVar aggregate classification (germline): Uncertain significance (1 of 4 stars; one submission).

Submission:

GeneDx
Classification: Uncertain significance. Last evaluated: 2024-02-22. Review status: criteria provided, single submitter. Criteria: GeneDx Variant Classification Process June 2021. Collection method: clinical testing. Allele origin: germline. Affected: yes.
Comment: Not observed at significant frequency in large population cohorts (gnomAD); Missense variant in a gene in which most reported pathogenic variants are truncating/loss of function; Has not been previously published as pathogenic or benign to our knowledge

NM_001267550.2(TTN):c.11681C>A (p.Ala3894Asp)

Gene: TTN (titin; minus strand). Cytogenetic location: 2q31.2.
Variant type: single nucleotide variant.
Coding change: c.11681C>A on transcript NM_001267550.2 (MANE Select); coding-DNA position 11681, C replaced by A.
Protein change: p.Ala3894Asp; replaces alanine 3894 with aspartic acid.
Molecular consequence: missense variant. On other transcripts: intron variant (1).
Genome position (GRCh38, 1-based): chr2:178,741,552, G>T on the plus strand (C>A on the coding strand, the complement: TTN is on the minus strand). VCF-style: chr2-178741552-G-T. GRCh37 (hg19) VCF-style: chr2-179606279-G-T.
Other names: c.10730C>A, p.Ala3577Asp (NM_001256850.1); c.10592C>A, p.Ala3531Asp (NM_003319.4); c.10967C>A, p.Ala3656Asp (NM_133432.3); c.11168C>A, p.Ala3723Asp (NM_133437.4); c.10361-3192C>A (NM_133378.4); short protein forms A3894D, A3531D, A3577D, A3656D, A3723D.
Identifiers: ClinVar variation 3369492 (VCV003369492.1).